The following is an entry in ClinVar:

ClinVar aggregate classification (germline): Benign/Likely benign. Review status: criteria provided, multiple submitters, no conflicts (2 of 4 stars). 4 submissions from 4 submitters: Benign (1); Likely benign (3). Last evaluated 2026-05-04.

Conditions:
Hereditary cancer-predisposing syndrome. Also called: Hereditary neoplastic syndrome; Neoplastic Syndromes, Hereditary; Hereditary Cancer Syndrome; Tumor predisposition. Identifiers: Orphanet 140162, MedGen C0027672, MeSH D009386, MONDO:0015356.
EGFR-related disorder. Also called: EGFR-related condition.
EGFR-related lung cancer (EGFR). Identifiers: MedGen CN130014.

Allele frequency attached by ClinVar (database versions not stated): gnomAD 0.00006 and 0.00007; TOPMed 0.00008; gnomAD exomes 0.00024; ExAC 0.00028; 1000 Genomes Project 30x 0.00031; 1000 Genomes Project 0.00040.
gnomAD v4.1: 185 of 1,610,036 alleles (0.011%); highest among the groups gnomAD compares: Middle Eastern, 0.22%; no homozygotes.

Submissions (4):

PreventionGenetics, part of Exact Sciences
Classification: Likely benign for EGFR-related condition. Last evaluated: 2026-05-04. Review status: criteria provided, single submitter. Criteria: ACMG Guidelines, 2015. Collection method: clinical testing. Allele origin: germline.
Comment: This variant is classified as likely benign based on ACMG/AMP sequence variant interpretation guidelines (Richards et al. 2015 PMID: 25741868, with internal and published modifications).

Labcorp Genetics (formerly Invitae), Labcorp
Classification: Benign for EGFR-related lung cancer. Last evaluated: 2026-02-03. Review status: criteria provided, single submitter. Criteria: Invitae Variant Classification Sherloc (09022015). Collection method: clinical testing. Allele origin: germline.

Ambry Genetics
Classification: Likely benign for Hereditary cancer-predisposing syndrome. Last evaluated: 2025-01-31. Review status: criteria provided, single submitter. Criteria: Ambry Variant Classification Scheme 2023. Collection method: clinical testing. Allele origin: germline.

Blueprint Genetics
Classification: Likely benign. Last evaluated: 2024-10-03. Review status: criteria provided, single submitter. Criteria: ACMG Guidelines, 2015. Collection method: clinical testing. Allele origin: germline.

NM_005228.5(EGFR):c.1878C>T (p.Tyr626=)

Gene: EGFR (epidermal growth factor receptor; plus strand). Cytogenetic location: 7p11.2.
Variant type: single nucleotide variant.
Coding change: c.1878C>T on transcript NM_005228.5 (MANE Select); coding-DNA position 1878, C replaced by T.
Protein change: p.Tyr626=; no amino-acid change (tyrosine 626 retained).
Molecular consequence: synonymous variant.
Genome position (GRCh38, 1-based): chr7:55,165,435, C>T. VCF-style: chr7-55165435-C-T. GRCh37 (hg19) VCF-style: chr7-55233128-C-T.
Other names: c.1743C>T, p.Tyr581= (NM_001346897.2, NM_001346899.2); c.1878C>T, p.Tyr626= (NM_001346898.2, NM_201282.2, NM_201284.2); c.1719C>T, p.Tyr573= (NM_001346900.2); c.1077C>T, p.Tyr359= (NM_001346941.2); c.1878C>T (NM_005228.4).
Identifiers: ClinVar variation 738616 (VCV000738616.15), dbSNP rs533525993, ClinGen allele CA4265719.